The following is an entry in ClinVar:

NM_006904.7(PRKDC):c.5243A>G (p.Asp1748Gly)

Gene: PRKDC (protein kinase, DNA-activated, catalytic subunit; minus strand). Cytogenetic location: 8q11.21.
Variant type: single nucleotide variant.
Coding change: c.5243A>G on transcript NM_006904.7 (MANE Select); coding-DNA position 5243, A replaced by G.
Protein change: p.Asp1748Gly; replaces aspartic acid 1748 with glycine.
Molecular consequence: missense variant.
Genome position (GRCh38, 1-based): chr8:47,877,844, T>C on the plus strand (A>G on the coding strand, the complement: PRKDC is on the minus strand). VCF-style: chr8-47877844-T-C. GRCh37 (hg19) VCF-style: chr8-48790405-T-C.
Other names: c.5243A>G, p.Asp1748Gly (NM_001081640.2); short protein forms D1748G.
Identifiers: ClinVar variation 1939610 (VCV001939610.5), dbSNP rs2089122362, ClinGen allele CA371137940.
Genomic context (GRCh38, chr8:47,877,844, plus strand): 5'-CGACAAAGAACTTCTGTCATCAATTCCAACAACATAGGGCTTTGAGATAATTCCAATGCA[T>C]CTAGAAACTAGAAAAAATACATCAACATCATTAAAATTTTGTTGGGTTTTACTTTTGCTT-3'
Protein context (NP_008835.5, residues 1738-1758): NYVDCMKKFL[Asp1748Gly]ALELSQSPML

ClinVar aggregate classification (germline): Uncertain significance (1 of 4 stars; one submission).

Conditions:
Severe combined immunodeficiency due to DNA-PKcs deficiency. Also called: IMMUNODEFICIENCY 26 WITH NEUROLOGIC ABNORMALITIES; Immunodeficiency 26 with or without neurologic abnormalities. Identifiers: Orphanet 317425, MedGen C4014833, MONDO:0014423, OMIM 615966.

Allele frequency attached by ClinVar (database versions not stated): gnomAD exomes below 0.00001; gnomAD 0.00001.
gnomAD v4.1: 7 of 1,486,786 alleles (0.00047%); highest among the groups gnomAD compares: Non-Finnish European, 0.00063%; no homozygotes.

Submission:

Labcorp Genetics (formerly Invitae), Labcorp
Classification: Uncertain significance for Severe combined immunodeficiency due to DNA-PKcs deficiency. Last evaluated: 2022-02-25. Review status: criteria provided, single submitter. Criteria: Invitae Variant Classification Sherloc (09022015). Collection method: clinical testing. Allele origin: germline.
Comment: In summary, the available evidence is currently insufficient to determine the role of this variant in disease. Therefore, it has been classified as a Variant of Uncertain Significance. Algorithms developed to predict the effect of sequence changes on RNA splicing suggest that this variant may create or strengthen a splice site. This variant has not been reported in the literature in individuals affected with PRKDC-related conditions. This variant is not present in population databases (gnomAD no frequency). This sequence change replaces aspartic acid, which is acidic and polar, with glycine, which is neutral and non-polar, at codon 1748 of the PRKDC protein (p.Asp1748Gly).